The following is an entry in ClinVar:

NM_005591.4(MRE11):c.1225+804T>C

Gene: MRE11 (MRE11 double strand break repair nuclease; minus strand). Cytogenetic location: 11q21.
Variant type: single nucleotide variant.
Coding change: c.1225+804T>C on transcript NM_005591.4 (MANE Select); 804 bases into the intron after coding-DNA position 1225, T replaced by C.
Molecular consequence: intron variant.
Genome position (GRCh38, 1-based): chr11:94,463,309, A>G on the plus strand (T>C on the coding strand, the complement: MRE11 is on the minus strand). VCF-style: chr11-94463309-A-G. GRCh37 (hg19) VCF-style: chr11-94196475-A-G.
Other names: c.1225+804T>C (NM_001330347.2, NM_005590.4).
Identifiers: ClinVar variation 60654 (VCV000060654.1), dbSNP rs397509356, ClinGen allele CA144595.

ClinVar aggregate classification (germline): other (0 of 4 stars; one submission).

Conditions:
Malignant tumor of urinary bladder. Also called: Urinary bladder cancer; Urinary Bladder Neoplasms; Bladder cancer. Identifiers: MedGen C0005684, MONDO:0001187, OMIM 109800.

Allele frequency attached by ClinVar (database versions not stated): TOPMed 0.00004; gnomAD 0.00005 and 0.00006.
gnomAD v4.1: 8 of 152,228 alleles (0.0053%); highest among the groups gnomAD compares: Non-Finnish European, 0.012%; no homozygotes.

Submission:

Gray Institute for Radiation Oncology & Biology, University of Oxford
Classification: other. Review status: no assertion criteria provided. Collection method: not provided. Allele origin: germline.
Comment: Detected by next-generation sequencing & confirmed by Sanger sequencing